The following is an entry in ClinVar:

ClinVar aggregate classification (germline): Uncertain significance (1 of 4 stars; one submission).

Conditions:
Predisposition to invasive fungal disease due to CARD9 deficiency (IMD103). Also called: Candidiasis, familial, 2, autosomal recessive; CARD9 IMMUNODEFICIENCY; IMMUNODEFICIENCY 103, SUSCEPTIBILITY TO FUNGAL INFECTIONS. Identifiers: Orphanet 457088, MedGen C1859353, MONDO:0008905, OMIM 212050.

Allele frequency attached by ClinVar (database versions not stated): gnomAD exomes below 0.00001; gnomAD 0.00001; TOPMed 0.00001.
gnomAD v4.1: 7 of 1,610,998 alleles (0.00043%); highest among the groups gnomAD compares: Admixed American, 0.0017%; no homozygotes.

Submission:

Labcorp Genetics (formerly Invitae), Labcorp
Classification: Uncertain significance for Predisposition to invasive fungal disease due to CARD9 deficiency. Last evaluated: 2022-09-19. Review status: criteria provided, single submitter. Criteria: Invitae Variant Classification Sherloc (09022015). Collection method: clinical testing. Allele origin: germline.
Comment: This variant has not been reported in the literature in individuals affected with CARD9-related conditions. The frequency data for this variant in the population databases is considered unreliable, as metrics indicate poor data quality at this position in the gnomAD database. This sequence change replaces arginine, which is basic and polar, with cysteine, which is neutral and slightly polar, at codon 160 of the CARD9 protein (p.Arg160Cys). ClinVar contains an entry for this variant (Variation ID: 956548). In summary, the available evidence is currently insufficient to determine the role of this variant in disease. Therefore, it has been classified as a Variant of Uncertain Significance. Advanced modeling of protein sequence and biophysical properties (such as structural, functional, and spatial information, amino acid conservation, physicochemical variation, residue mobility, and thermodynamic stability) performed at Invitae indicates that this missense variant is expected to disrupt CARD9 protein function.

NM_052813.5(CARD9):c.478C>T (p.Arg160Cys)

Gene: CARD9 (caspase recruitment domain family member 9; minus strand). Cytogenetic location: 9q34.3.
Variant type: single nucleotide variant.
Coding change: c.478C>T on transcript NM_052813.5 (MANE Select); coding-DNA position 478, C replaced by T.
Protein change: p.Arg160Cys; replaces arginine 160 with cysteine.
Molecular consequence: missense variant.
Genome position (GRCh38, 1-based): chr9:136,370,990, G>A on the plus strand (C>T on the coding strand, the complement: CARD9 is on the minus strand). VCF-style: chr9-136370990-G-A. GRCh37 (hg19) VCF-style: chr9-139265442-G-A.
Other names: c.478C>T, p.Arg160Cys (NM_052814.4); short protein forms R160C.
Identifiers: ClinVar variation 956548 (VCV000956548.10), dbSNP rs1400756254, ClinGen allele CA375545381.